The following is an entry in ClinVar:

NM_001943.5(DSG2):c.1397C>T (p.Thr466Ile)

Gene: DSG2 (desmoglein 2; plus strand). Cytogenetic location: 18q12.1.
Variant type: single nucleotide variant.
Coding change: c.1397C>T on transcript NM_001943.5 (MANE Select); coding-DNA position 1397, C replaced by T.
Protein change: p.Thr466Ile; replaces threonine 466 with isoleucine.
Molecular consequence: missense variant.
Genome position (GRCh38, 1-based): chr18:31,535,386, C>T. VCF-style: chr18-31535386-C-T. GRCh37 (hg19) VCF-style: chr18-29115349-C-T.
Other names: c.1397C>T (LRG_397t1); short protein forms T466I.
Identifiers: ClinVar variation 422458 (VCV000422458.22), dbSNP rs769137357, ClinGen allele CA042292.

ClinVar aggregate classification (germline): Conflicting classifications of pathogenicity. Review status: criteria provided, conflicting classifications (1 of 4 stars). 9 submissions from 9 submitters: Uncertain significance (8); Likely benign (1). Last evaluated 2026-01-21.

Conditions:
Cardiovascular phenotype. Identifiers: MedGen CN230736.
DSG2-related disorder. Also called: DSG2-related condition.
Arrhythmogenic right ventricular dysplasia 10. Also called: ARRHYTHMOGENIC RIGHT VENTRICULAR DYSPLASIA, FAMILIAL, 10; Arrhythmogenic Right Ventricular Dysplasia/Cardiomyopathy10; Arrhythmogenic right ventricular dysplasia/cardiomyopathy, type 10. Identifiers: MedGen C1857777, MONDO:0012434, OMIM 610193.
Dilated cardiomyopathy 1BB (CMD1BB). Also called: CARDIOMYOPATHY, DILATED, 1BB, SUSCEPTIBILITY TO. Identifiers: Orphanet 154, MedGen C2752072, MONDO:0013030, OMIM 612877.
Arrhythmogenic right ventricular cardiomyopathy (ARVD). Also called: Cardiomyopathy, ARVC; Arrhythmogenic cardiomyopathy; Arrhythmogenic right ventricular dysplasia; Arrhythmogenic Right Ventricular Cardiomyopathy (ARVC). Identifiers: Orphanet 247, MedGen C0349788, MeSH D019571, MONDO:0016587. Disease mechanism: loss of function. Inheritance: Various modes of inheritance.
Cardiomyopathy (CMYO). Also called: Cardiomyopathies. Identifiers: Orphanet 167848, MedGen C0878544, MONDO:0004994, HP:0001638. Inheritance: Various modes of inheritance.

Allele frequency attached by ClinVar (database versions not stated): gnomAD exomes 0.00001; ExAC 0.00002; TOPMed 0.00005; gnomAD 0.00007.
gnomAD v4.1: 27 of 1,611,448 alleles (0.0017%); highest among the groups gnomAD compares: African/African-American, 0.028%; no homozygotes.

Submissions (9):

Labcorp Genetics (formerly Invitae), Labcorp
Classification: Uncertain significance for Arrhythmogenic right ventricular dysplasia 10. Last evaluated: 2026-01-21. Review status: criteria provided, single submitter. Criteria: Invitae Variant Classification Sherloc (09022015). Collection method: clinical testing. Allele origin: germline.
Comment: This sequence change replaces threonine, which is neutral and polar, with isoleucine, which is neutral and non-polar, at codon 466 of the DSG2 protein (p.Thr466Ile). This variant is present in population databases (rs769137357, gnomAD 0.008%). This missense change has been observed in individual(s) with DSG2-related conditions (PMID: 28254189). ClinVar contains an entry for this variant (Variation ID: 422458). Invitae Evidence Modeling of protein sequence and biophysical properties (such as structural, functional, and spatial information, amino acid conservation, physicochemical variation, residue mobility, and thermodynamic stability) indicates that this missense variant is not expected to disrupt DSG2 protein function with a negative predictive value of 95%. In summary, the available evidence is currently insufficient to determine the role of this variant in disease. Therefore, it has been classified as a Variant of Uncertain Significance.

PreventionGenetics, part of Exact Sciences
Classification: Uncertain significance for DSG2-related condition. Last evaluated: 2025-04-09. Review status: criteria provided, single submitter. Criteria: ACMG Guidelines, 2015. Collection method: clinical testing. Allele origin: germline.
Comment: The DSG2 c.1397C>T variant is predicted to result in the amino acid substitution p.Thr466Ile. This variant has been reported in an individual with arrhythmogenic cardiomyopathy (Arbustini et al. 2017. PubMed ID: 28254189). This variant is reported in 0.0084% of alleles in individuals of African descent in gnomAD. At this time, the clinical significance of this variant is uncertain due to the absence of conclusive functional and genetic evidence.

GeneDx
Classification: Uncertain significance. Last evaluated: 2024-10-22. Review status: criteria provided, single submitter. Criteria: GeneDx Variant Classification Process June 2021. Collection method: clinical testing. Allele origin: germline. Affected: yes.
Comment: Not observed at significant frequency in large population cohorts (gnomAD); In silico analysis supports that this missense variant has a deleterious effect on protein structure/function; Has not been previously published as pathogenic or benign to our knowledge

Blueprint Genetics
Classification: Likely benign. Last evaluated: 2024-08-28. Review status: criteria provided, single submitter. Criteria: ACMG Guidelines, 2015. Collection method: clinical testing. Allele origin: germline.

Color Diagnostics, LLC DBA Color Health
Classification: Uncertain significance for Cardiomyopathy. Last evaluated: 2024-07-01. Review status: criteria provided, single submitter. Criteria: ACMG Guidelines, 2015. Collection method: clinical testing. Allele origin: germline.
Comment: This missense variant replaces threonine with isoleucine at codon 466 of the DSG2 protein. Computational prediction suggests that this variant may not impact protein structure and function (internally defined REVEL score threshold <= 0.5, PMID: 27666373). To our knowledge, functional studies have not been performed for this variant. This variant has been reported in an individual affected with arrhythmogenic cardiomyopathy (PMID: 28254189). This variant has been identified in 4/279646 chromosomes in the general population by the Genome Aggregation Database (gnomAD). The available evidence is insufficient to determine the role of this variant in disease conclusively. Therefore, this variant is classified as a Variant of Uncertain Significance.

Ambry Genetics
Classification: Uncertain significance for Cardiovascular phenotype. Last evaluated: 2024-03-09. Review status: criteria provided, single submitter. Criteria: Ambry Variant Classification Scheme 2023. Collection method: clinical testing. Allele origin: germline.
Comment: The p.T466I variant (also known as c.1397C>T), located in coding exon 10 of the DSG2 gene, results from a C to T substitution at nucleotide position 1397. The threonine at codon 466 is replaced by isoleucine, an amino acid with similar properties. This alteration has been reported in a subject with arrhythmogenic cardiomyopathy (ACM), who also carried a missense variant in HCN4 (Schweizer PA et al. J Am Coll Cardiol, 2017 03;69:1209-1210). This amino acid position is well conserved in available vertebrate species; however, isoleucine is the reference amino acid in other vertebrate species. In addition, this alteration is predicted to be tolerated by in silico analysis. Since supporting evidence is limited at this time, the clinical significance of this alteration remains unclear.

All of Us Research Program, National Institutes of Health
Classification: Uncertain significance for Arrhythmogenic right ventricular cardiomyopathy. Last evaluated: 2023-12-01. Review status: criteria provided, single submitter. Criteria: ACMG Guidelines, 2015. Collection method: clinical testing. Allele origin: germline. Inheritance: Autosomal dominant inheritance. Observed: 1 variant allele, 1 heterozygote.
Comment: This missense variant replaces threonine with isoleucine at codon 466 of the DSG2 protein. Computational prediction suggests that this variant may not impact protein structure and function (internally defined REVEL score threshold <= 0.5, PMID: 27666373). To our knowledge, functional studies have not been performed for this variant. This variant has been reported in an individual affected with arrhythmogenic cardiomyopathy (PMID: 28254189). This variant has been identified in 4/279646 chromosomes in the general population by the Genome Aggregation Database (gnomAD). The available evidence is insufficient to determine the role of this variant in disease conclusively. Therefore, this variant is classified as a Variant of Uncertain Significance.

This study involves interpretation of variants in research participants for the purpose of population health screening. Participant phenotype was not available at the time of variant classification. Additional details can be found in publication PMID: 35346344, PMCID: PMC8962531

Fulgent Genetics
Classification: Uncertain significance for Arrhythmogenic right ventricular dysplasia 10; Dilated cardiomyopathy 1BB. Last evaluated: 2021-10-11. Review status: criteria provided, single submitter. Criteria: ACMG Guidelines, 2015. Collection method: clinical testing. Allele origin: unknown.

CHEO Genetics Diagnostic Laboratory, Children's Hospital of Eastern Ontario
Classification: Uncertain significance for Cardiomyopathy. Last evaluated: 2018-05-25. Review status: criteria provided, single submitter. Criteria: ACMG Guidelines, 2015. Collection method: clinical testing. Allele origin: germline.

Literature cited by the submitters: PubMed 28254189 (cited by 4 submitters); PubMed 28254188 (cited by Ambry Genetics).